The following is an entry in ClinVar:

ClinVar aggregate classification (germline): Uncertain significance (1 of 4 stars; one submission).

Conditions:
ERCC2-related disorder. Also called: ERCC2-related conditions; ERCC2-related condition; ERCC2-related disorders. Identifiers: MedGen CN239291.

Submission:

Myriad Genetics, Inc.
Classification: Uncertain significance for ERCC2-related disorder. Last evaluated: 2026-03-25. Review status: criteria provided, single submitter. Criteria: Myriad Autosomal Dominant, Autosomal Recessive and X-Linked Classification Criteria (2023). Collection method: clinical testing. Allele origin: unknown.
Comment: NM_000400.3(ERCC2):c.2069_2077del9(R690_K692del) is an in-frame deletion classified as a variant of uncertain significance in the context of ERCC2-related disorders. R690_K692del has not been observed in cases with relevant disease. Relevant functional assessments of this variant are not available in the literature. R690_K692del has not been observed in referenced population frequency databases. In summary, there is insufficient evidence to classify NM_000400.3(ERCC2):c.2069_2077del9(R690_K692del) as pathogenic or benign. Please note: this variant was assessed in the context of healthy population screening.

NM_000400.4(ERCC2):c.2069_2077del (p.Arg690_Lys692del)

Gene: ERCC2 (ERCC excision repair 2, TFIIH core complex helicase subunit; minus strand). Cytogenetic location: 19q13.32.
Variant type: Deletion.
Coding change: c.2069_2077del on transcript NM_000400.4 (MANE Select); coding-DNA positions 2069 to 2077, 9 bases deleted (GGGGGAAGC; older notation c.2069_2077delGGGGGAAGC).
Protein change: p.Arg690_Lys692del.
Molecular consequence: inframe deletion. On other transcripts: non-coding transcript variant (3).
Genome position (GRCh38, 1-based): chr19:45,352,322-45,352,330, GCTTCCCCC deleted on the plus strand (GGGGGAAGC on the coding strand, the reverse complement: ERCC2 is on the minus strand); deleting any 9 consecutive bases within chr19:45,352,322-45,352,334 gives the same sequence; the c. name uses the placement nearest the transcript's 3' end. VCF-style (leftmost placement, unchanged base first): chr19-45352321-AGCTTCCCCC-A. GRCh37 (hg19) VCF-style: chr19-45855579-AGCTTCCCCC-A.
Other names: c.1997_2005del, p.Arg666_Lys668del (NM_001440355.1); c.1991_1999del, p.Arg664_Lys666del (NM_001440356.1); c.1946_1954del, p.Arg649_Lys651del (NM_001440357.1).
Identifiers: ClinVar variation 5004555 (VCV005004555.1).